The following is an entry in ClinVar:

NM_001035.3(RYR2):c.2039A>G (p.Asp680Gly)

Gene: RYR2 (ryanodine receptor 2; plus strand). Cytogenetic location: 1q43.
Variant type: single nucleotide variant.
Coding change: c.2039A>G on transcript NM_001035.3 (MANE Select); coding-DNA position 2039, A replaced by G.
Protein change: p.Asp680Gly; replaces aspartic acid 680 with glycine.
Molecular consequence: missense variant.
Genome position (GRCh38, 1-based): chr1:237,496,588, A>G. VCF-style: chr1-237496588-A-G. GRCh37 (hg19) VCF-style: chr1-237659888-A-G.
Other names: c.2039A>G (NM_001035.2); short protein forms D680G.
Identifiers: ClinVar variation 918965 (VCV000918965.19), dbSNP rs758835308, ClinGen allele CA085947.
Genomic context (GRCh38, chr1:237,496,588, plus strand): 5'-TTCTGGGCGTCAGTGAAGGTTCTGCTCAGTATAAGAAATGGTACTATGAATTGATGGTGG[A>G]CCACACAGAGCCCTTTGTGACAGCTGAAGCAACTCACCTGCGAGTGGGCTGGGCTTCCAC-3'
Protein context (NP_001026.2, residues 670-690): YKKWYYELMV[Asp680Gly]HTEPFVTAEA

ClinVar aggregate classification (germline): Conflicting classifications of pathogenicity. Review status: criteria provided, conflicting classifications (1 of 4 stars). 6 submissions from 6 submitters: Uncertain significance (4); Likely benign (2). Last evaluated 2025-11-06.

Conditions:
Catecholaminergic polymorphic ventricular tachycardia 1. Also called: VENTRICULAR TACHYCARDIA, CATECHOLAMINERGIC POLYMORPHIC, 1, WITH OR WITHOUT ATRIAL DYSFUNCTION AND/OR DILATED CARDIOMYOPATHY; RYR2-Related Catecholaminergic Polymorphic Ventricular Tachycardia; VENTRICULAR TACHYCARDIA, STRESS-INDUCED POLYMORPHIC 1. Identifiers: Orphanet 3286, MedGen C1631597, MONDO:0011484, OMIM 604772.
Cardiovascular phenotype. Identifiers: MedGen CN230736.
Catecholaminergic polymorphic ventricular tachycardia (CVPT). Also called: Catecholamine-induced polymorphic ventricular tachycardia. Identifiers: Orphanet 3286, MedGen C5574922, MONDO:0017990.
Cardiomyopathy (CMYO). Also called: Cardiomyopathies. Identifiers: Orphanet 167848, MedGen C0878544, MONDO:0004994, HP:0001638. Inheritance: Various modes of inheritance.

Allele frequency attached by ClinVar (database versions not stated): ExAC 0.00002; gnomAD exomes 0.00002 and 0.00005; TOPMed 0.00005.
gnomAD v4.1: 24 of 1,613,974 alleles (0.0015%); highest among the groups gnomAD compares: Admixed American, 0.023%; no homozygotes.

Submissions (6):

Labcorp Genetics (formerly Invitae), Labcorp
Classification: Uncertain significance for Catecholaminergic polymorphic ventricular tachycardia 1. Last evaluated: 2025-11-06. Review status: criteria provided, single submitter. Criteria: Invitae Variant Classification Sherloc (09022015). Collection method: clinical testing. Allele origin: germline.
Comment: This sequence change replaces aspartic acid, which is acidic and polar, with glycine, which is neutral and non-polar, at codon 680 of the RYR2 protein (p.Asp680Gly). This variant is present in population databases (rs758835308, gnomAD 0.03%). This variant has not been reported in the literature in individuals affected with RYR2-related conditions. ClinVar contains an entry for this variant (Variation ID: 918965). Invitae Evidence Modeling of protein sequence and biophysical properties (such as structural, functional, and spatial information, amino acid conservation, physicochemical variation, residue mobility, and thermodynamic stability) has been performed for this missense variant. However, the output from this modeling did not meet the statistical confidence thresholds required to predict the impact of this variant on RYR2 protein function. In summary, the available evidence is currently insufficient to determine the role of this variant in disease. Therefore, it has been classified as a Variant of Uncertain Significance.

Color Diagnostics, LLC DBA Color Health
Classification: Likely benign for Cardiomyopathy. Last evaluated: 2025-04-10. Review status: criteria provided, single submitter. Criteria: ACMG Guidelines, 2015. Collection method: clinical testing. Allele origin: germline.

Ambry Genetics
Classification: Uncertain significance for Cardiovascular phenotype. Last evaluated: 2024-12-19. Review status: criteria provided, single submitter. Criteria: Ambry Variant Classification Scheme 2023. Collection method: clinical testing. Allele origin: germline.
Comment: The p.D680G variant (also known as c.2039A>G), located in coding exon 20 of the RYR2 gene, results from an A to G substitution at nucleotide position 2039. The aspartic acid at codon 680 is replaced by glycine, an amino acid with similar properties. This amino acid position is highly conserved in available vertebrate species. In addition, this alteration is predicted to be deleterious by in silico analysis. Since supporting evidence is limited at this time, the clinical significance of this alteration remains unclear.

Women's Health and Genetics/Laboratory Corporation of America, LabCorp
Classification: Likely benign. Last evaluated: 2024-10-21. Review status: criteria provided, single submitter. Criteria: LabCorp Variant Classification Summary - May 2015. Collection method: clinical testing. Allele origin: germline.
Comment: Variant summary: RYR2 c.2039A>G (p.Asp680Gly) results in a non-conservative amino acid change located in the B30.2/SPRY domain (IPR001870) of the encoded protein sequence. Four of five in-silico tools predict a damaging effect of the variant on protein function. The variant allele was found at a frequency of 4.8e-05 in 249298 control chromosomes, predominantly at a frequency of 0.00029 within the Latino subpopulation in the gnomAD database. The observed variant frequency within Latino control individuals in the gnomAD database is approximately 46 fold of the estimated maximal expected allele frequency for a pathogenic variant in RYR2 causing Arrhythmogenic Right Ventricular Dysplasia/Cardiomyopathy phenotype (6.3e-06). c.2039A>G has been reported in the literature (example: Landstorm_2017). This report does not provide unequivocal conclusions about association of the variant with Arrhythmogenic Right Ventricular Dysplasia/Cardiomyopathy. To our knowledge, no experimental evidence demonstrating an impact on protein function has been reported. The following publication has been ascertained in the context of this evaluation (PMID: 28404607). ClinVar contains an entry for this variant (Variation ID: 918965). Based on the evidence outlined above, the variant was classified as likely benign.

All of Us Research Program, National Institutes of Health
Classification: Uncertain significance for Catecholaminergic polymorphic ventricular tachycardia. Last evaluated: 2024-09-23. Review status: criteria provided, single submitter. Criteria: ACMG Guidelines, 2015. Collection method: clinical testing. Allele origin: germline. Inheritance: Autosomal dominant inheritance. Observed: 12 variant alleles, 12 heterozygotes.
Comment: This missense variant replaces aspartic acid with glycine at codon 680 of the RYR2 protein. Computational prediction suggests that this variant may have deleterious impact on protein structure and function (internally defined REVEL score threshold >= 0.7, PMID: 27666373). To our knowledge, functional studies have not been reported for this variant. This variant has not been reported in individuals affected with RYR2-related disorders in the literature. This variant has been identified in 12/249298 chromosomes in the general population by the Genome Aggregation Database (gnomAD). The available evidence is insufficient to determine the role of this variant in disease conclusively. Therefore, this variant is classified as a Variant of Uncertain Significance.

This study involves interpretation of variants in research participants for the purpose of population health screening. Participant phenotype was not available at the time of variant classification. Additional details can be found in publication PMID: 35346344, PMCID: PMC8962531

GeneDx
Classification: Uncertain significance. Last evaluated: 2019-05-01. Review status: criteria provided, single submitter. Criteria: GeneDx Variant Classification Process June 2021. Collection method: clinical testing. Allele origin: germline. Affected: yes.
Comment: Has not been previously published as pathogenic or benign to our knowledge; In silico analysis, which includes protein predictors and evolutionary conservation, supports a deleterious effect; Is not located in one of the three hot-spot regions of the RYR2 gene, where the majority of pathogenic missense variants occur (Medeiros-Domingo et al., 2009)

Literature cited by the submitters: PubMed 28404607 (cited by Ambry Genetics and Women's Health and Genetics/Laboratory Corporation of America, LabCorp).